The following is an entry in ClinVar:

ClinVar aggregate classification (germline): Uncertain significance (1 of 4 stars; one submission).

Conditions:
Developmental and epileptic encephalopathy, 34 (DEE34). Also called: SLC12A5-Related Epilepsy of Infancy with Migrating Focal Seizures; Early infantile epileptic encephalopathy 34. Identifiers: Orphanet 293181, MedGen C4225257, MONDO:0014718, OMIM 616645.

Allele frequency attached by ClinVar (database versions not stated): ExAC 0.00001; gnomAD 0.00001; gnomAD exomes 0.00001; TOPMed 0.00001.
gnomAD v4.1: 15 of 1,587,592 alleles (0.00094%); highest among the groups gnomAD compares: Admixed American, 0.0034%; no homozygotes.

Submission:

Labcorp Genetics (formerly Invitae), Labcorp
Classification: Uncertain significance for Developmental and epileptic encephalopathy, 34. Last evaluated: 2021-03-18. Review status: criteria provided, single submitter. Criteria: Invitae Variant Classification Sherloc (09022015). Collection method: clinical testing. Allele origin: germline.
Comment: This variant has not been reported in the literature in individuals with SLC12A5-related conditions. In summary, the available evidence is currently insufficient to determine the role of this variant in disease. Therefore, it has been classified as a Variant of Uncertain Significance. Algorithms developed to predict the effect of missense changes on protein structure and function (SIFT, PolyPhen-2, Align-GVGD) all suggest that this variant is likely to be disruptive, but these predictions have not been confirmed by published functional studies and their clinical significance is uncertain. This variant is present in population databases (rs200461513, ExAC 0.009%). This sequence change replaces methionine with threonine at codon 893 of the SLC12A5 protein (p.Met893Thr). The methionine residue is highly conserved and there is a moderate physicochemical difference between methionine and threonine.

NM_020708.5(SLC12A5):c.2678T>C (p.Met893Thr)

Gene: SLC12A5 (solute carrier family 12 member 5; plus strand). Cytogenetic location: 20q13.12.
Variant type: single nucleotide variant.
Coding change: c.2678T>C on transcript NM_020708.5 (MANE Select); coding-DNA position 2678, T replaced by C.
Protein change: p.Met893Thr; replaces methionine 893 with threonine.
Molecular consequence: missense variant.
Genome position (GRCh38, 1-based): chr20:46,053,708, T>C. VCF-style: chr20-46053708-T-C. GRCh37 (hg19) VCF-style: chr20-44682347-T-C.
Other names: c.2747T>C, p.Met916Thr (NM_001134771.2); short protein forms M893T, M916T.
Identifiers: ClinVar variation 1517440 (VCV001517440.8), dbSNP rs200461513, ClinGen allele CA9887664.